The following is an entry in ClinVar:

NM_001927.4(DES):c.352C>A (p.Arg118Ser)

Gene: DES (desmin; plus strand). Cytogenetic location: 2q35.
Variant type: single nucleotide variant.
Coding change: c.352C>A on transcript NM_001927.4 (MANE Select); coding-DNA position 352, C replaced by A.
Protein change: p.Arg118Ser; replaces arginine 118 with serine.
Molecular consequence: missense variant.
Genome position (GRCh38, 1-based): chr2:219,418,814, C>A. VCF-style: chr2-219418814-C-A. GRCh37 (hg19) VCF-style: chr2-220283536-C-A.
Other names: c.352C>A (LRG_380t1); short protein forms R118S.
Identifiers: ClinVar variation 474288 (VCV000474288.9), dbSNP rs1188232371, ClinGen allele CA350685460.

ClinVar aggregate classification (germline): Uncertain significance (1 of 4 stars; one submission).

Conditions:
Desmin-related myofibrillar myopathy (MFM1). Also called: Desminopathy; Desmin related myopathy (former name); Desmin storage myopathy (former name); Myofibrillar myopathy 1; MYOFIBRILLAR MYOPATHY WITH ARRHYTHMOGENIC RIGHT VENTRICULAR CARDIOMYOPATHY; DESMIN-RELATED MYOPATHY WITH ARRHYTHMOGENIC RIGHT VENTRICULAR CARDIOMYOPATHY. Identifiers: Orphanet 363543, Orphanet 98909, MedGen C1832370, MONDO:0011076, OMIM 601419.

Allele frequency attached by ClinVar (database versions not stated): gnomAD exomes below 0.00001.
gnomAD v4.1: 2 of 1,576,510 alleles (0.00013%); highest among the groups gnomAD compares: Admixed American, 0.0019%; no homozygotes.

Submission:

Labcorp Genetics (formerly Invitae), Labcorp
Classification: Uncertain significance for Desmin-related myofibrillar myopathy. Last evaluated: 2025-05-04. Review status: criteria provided, single submitter. Criteria: Invitae Variant Classification Sherloc (09022015). Collection method: clinical testing. Allele origin: germline.
Comment: This sequence change replaces arginine, which is basic and polar, with serine, which is neutral and polar, at codon 118 of the DES protein (p.Arg118Ser). This variant is not present in population databases (gnomAD no frequency). This variant has not been reported in the literature in individuals affected with DES-related conditions. ClinVar contains an entry for this variant (Variation ID: 474288). Invitae Evidence Modeling of protein sequence and biophysical properties (such as structural, functional, and spatial information, amino acid conservation, physicochemical variation, residue mobility, and thermodynamic stability) indicates that this missense variant is expected to disrupt DES protein function with a positive predictive value of 95%. Experimental studies have shown that this missense change affects DES function (PMID: 36497166). In summary, the available evidence is currently insufficient to determine the role of this variant in disease. Therefore, it has been classified as a Variant of Uncertain Significance.

Literature cited by the submitters: PubMed 36497166.